The following is an entry in ClinVar:

NM_000611.6(CD59):c.30C>T (p.Phe10=)

Gene: CD59 (CD59 molecule (CD59 blood group); minus strand). Cytogenetic location: 11p13.
Variant type: single nucleotide variant.
Coding change: c.30C>T on transcript NM_000611.6 (MANE Select); coding-DNA position 30, C replaced by T.
Protein change: p.Phe10=; no amino-acid change (phenylalanine 10 retained).
Molecular consequence: synonymous variant.
Genome position (GRCh38, 1-based): chr11:33,722,416, G>A on the plus strand (C>T on the coding strand, the complement: CD59 is on the minus strand). VCF-style: chr11-33722416-G-A. GRCh37 (hg19) VCF-style: chr11-33743962-G-A.
Other names: c.30C>T, p.Phe10= (NM_001127223.1, NM_001127225.2, NM_001127226.2 and 4 more transcripts).
Identifiers: ClinVar variation 1144752 (VCV001144752.12), dbSNP rs143169907, ClinGen allele CA5940802.

ClinVar aggregate classification (germline): Likely benign. Review status: criteria provided, multiple submitters, no conflicts (2 of 4 stars). 3 submissions from 3 submitters: Likely benign (2). 1 of the submissions does not count toward it. Last evaluated 2026-01-19.

Conditions:
CD59-related disorder. Also called: CD59-related condition.

Allele frequency attached by ClinVar (database versions not stated): gnomAD exomes 0.00026; ExAC 0.00030; 1000 Genomes Project 30x 0.00031; gnomAD 0.00036 and 0.00038; TOPMed 0.00038; 1000 Genomes Project 0.00040; ESP Exome Variant Server 0.00069.
gnomAD v4.1: 736 of 1,614,052 alleles (0.046%); highest among the groups gnomAD compares: Non-Finnish European, 0.058%; 1 homozygote.

Submissions (3):

Labcorp Genetics (formerly Invitae), Labcorp
Classification: Likely benign. Last evaluated: 2026-01-19. Review status: criteria provided, single submitter. Criteria: Invitae Variant Classification Sherloc (09022015). Collection method: clinical testing. Allele origin: germline.

Blueprint Genetics
Classification: Likely benign. Last evaluated: 2024-11-20. Review status: criteria provided, single submitter. Criteria: ACMG Guidelines, 2015. Collection method: clinical testing. Allele origin: germline.

PreventionGenetics, part of Exact Sciences
Classification: Likely benign for CD59-related condition. Last evaluated: 2021-09-14. Review status: no assertion criteria provided. Collection method: clinical testing. Allele origin: germline. Not counted in ClinVar's aggregate classification.
Comment: This variant is classified as likely benign based on ACMG/AMP sequence variant interpretation guidelines (Richards et al. 2015 PMID: 25741868, with internal and published modifications).